The following is an entry in ClinVar:

ClinVar aggregate classification (germline): Uncertain significance (1 of 4 stars; one submission).

gnomAD v4.1: 18 of 1,613,828 alleles (0.0011%); highest among the groups gnomAD compares: Middle Eastern, 0.016%; no homozygotes.

Submission:

Labcorp Genetics (formerly Invitae), Labcorp
Classification: Uncertain significance. Last evaluated: 2025-02-03. Review status: criteria provided, single submitter. Criteria: Invitae Variant Classification Sherloc (09022015). Collection method: clinical testing. Allele origin: germline.
Comment: This sequence change replaces alanine, which is neutral and non-polar, with threonine, which is neutral and polar, at codon 258 of the RELA protein (p.Ala258Thr). This variant is present in population databases (rs770313905, gnomAD 0.01%). This variant has not been reported in the literature in individuals affected with RELA-related conditions. An algorithm developed to predict the effect of missense changes on protein structure and function (PolyPhen-2) suggests that this variant is likely to be tolerated. In summary, the available evidence is currently insufficient to determine the role of this variant in disease. Therefore, it has been classified as a Variant of Uncertain Significance.

NM_021975.4(RELA):c.772G>A (p.Ala258Thr)

Gene: RELA (RELA proto-oncogene, NF-kB subunit; minus strand). Cytogenetic location: 11q13.1.
Variant type: single nucleotide variant.
Coding change: c.772G>A on transcript NM_021975.4 (MANE Select); coding-DNA position 772, G replaced by A.
Protein change: p.Ala258Thr; replaces alanine 258 with threonine.
Molecular consequence: missense variant. On other transcripts: intron variant (2).
Genome position (GRCh38, 1-based): chr11:65,658,392, C>T on the plus strand (G>A on the coding strand, the complement: RELA is on the minus strand). VCF-style: chr11-65658392-C-T. GRCh37 (hg19) VCF-style: chr11-65425863-C-T.
Other names: c.763G>A, p.Ala255Thr (NM_001145138.2); c.772G>A, p.Ala258Thr (NM_001243984.2, NM_001243985.2); c.805G>A, p.Ala269Thr (NM_001404657.1); c.745G>A, p.Ala249Thr (NM_001404658.1); c.391G>A, p.Ala131Thr (NM_001404661.1); c.679G>A, p.Ala227Thr (NM_001404662.1, NM_001404663.1); c.559+1274G>A (NM_001404660.1); c.664+326G>A (NM_001404659.1); short protein forms A227T, A249T, A255T, A258T, A269T, A131T.
Identifiers: ClinVar variation 3685253 (VCV003685253.2).